The following is an entry in ClinVar:

ClinVar aggregate classification (germline): Likely benign (1 of 4 stars; one submission).

Submission:

GeneDx
Classification: Likely benign. Last evaluated: 2017-05-12. Review status: criteria provided, single submitter. Criteria: GeneDx Variant Classification (06012015). Collection method: clinical testing. Allele origin: germline. Affected: yes.
Comment: This variant is considered likely benign or benign based on one or more of the following criteria: it is a conservative change, it occurs at a poorly conserved position in the protein, it is predicted to be benign by multiple in silico algorithms, and/or has population frequency not consistent with disease.

NM_001101.5(ACTB):c.-25_-9dup

Gene: ACTB (actin beta; minus strand). Cytogenetic location: 7p22.1.
Variant type: Duplication.
Coding change: c.-25_-9dup on transcript NM_001101.5 (MANE Select); 25 bases upstream of the start codon through 9 bases upstream of the start codon, 17 bases duplicated (CGTCCACACCCGCCGCC).
Molecular consequence: 5 prime UTR variant.
Genome position (GRCh38, 1-based): chr7:5,530,526-5,530,542, GGCGGCGGGTGTGGACG duplicated on the plus strand (CGTCCACACCCGCCGCC on the coding strand, the reverse complement: ACTB is on the minus strand); duplicating any 17 consecutive bases within chr7:5,530,526-5,530,550 gives the same sequence; the c. name uses the placement nearest the transcript's 3' end. VCF-style (leftmost placement, unchanged base first): chr7-5530525-T-TGGCGGCGGGTGTGGACG. GRCh37 (hg19) VCF-style: chr7-5570156-T-TGGCGGCGGGTGTGGACG.
Other names: c.-25_-9dup (LRG_132t1).
Identifiers: ClinVar variation 509389 (VCV000509389.1), dbSNP rs1266945878, ClinGen allele CA572522593.